The following is an entry in ClinVar:

ClinVar aggregate classification (germline): Uncertain significance. Review status: criteria provided, multiple submitters, no conflicts (2 of 4 stars). 2 submissions from 2 submitters: Uncertain significance (2). Last evaluated 2023-08-23.

Conditions:
Multiple endocrine neoplasia, type 1 (MEN1). Also called: MEN I; WERMER SYNDROME; MEA I; Endocrine adenomatosis multiple; MEN 1. Identifiers: Orphanet 652, MedGen C0025267, MeSH D018761, MONDO:0007540, OMIM 131100.
Hereditary cancer-predisposing syndrome. Also called: Hereditary neoplastic syndrome; Tumor predisposition; Neoplastic Syndromes, Hereditary; Hereditary Cancer Syndrome. Identifiers: Orphanet 140162, MedGen C0027672, MeSH D009386, MONDO:0015356.

Allele frequency attached by ClinVar (database versions not stated): gnomAD exomes below 0.00001.
gnomAD v4.1: 1 of 1,613,242 alleles (0.000062%); highest among the groups gnomAD compares: Middle Eastern, 0.017%; no homozygotes.

Submissions (2):

All of Us Research Program, National Institutes of Health
Classification: Uncertain significance for Multiple endocrine neoplasia, type 1. Last evaluated: 2023-08-23. Review status: criteria provided, single submitter. Criteria: ACMG Guidelines, 2015. Collection method: clinical testing. Allele origin: germline. Inheritance: Autosomal dominant inheritance. Observed: 1 variant allele, 1 heterozygote.
Comment: This missense variant replaces serine with glycine at codon 533 of the MEN1 protein. Computational prediction suggests that this variant may not impact protein structure and function (internally defined REVEL score threshold <= 0.5, PMID: 27666373). To our knowledge, functional studies have not been reported for this variant. This variant has not been reported in individuals affected with MEN1-related disorders in the literature. This variant has not been identified in the general population by the Genome Aggregation Database (gnomAD). The available evidence is insufficient to determine the role of this variant in disease conclusively. Therefore, this variant is classified as a Variant of Uncertain Significance.

This study involves interpretation of variants in research participants for the purpose of population health screening. Participant phenotype was not available at the time of variant classification. Additional details can be found in publication PMID: 35346344, PMCID: PMC8962531

Ambry Genetics
Classification: Uncertain significance for Hereditary cancer-predisposing syndrome. Last evaluated: 2023-02-04. Review status: criteria provided, single submitter. Criteria: Ambry Variant Classification Scheme 2023. Collection method: clinical testing. Allele origin: germline.
Comment: The p.S533G variant (also known as c.1597A>G), located in coding exon 9 of the MEN1 gene, results from an A to G substitution at nucleotide position 1597. The serine at codon 533 is replaced by glycine, an amino acid with similar properties. This amino acid position is conserved. In addition, this alteration is predicted to be tolerated by in silico analysis. Since supporting evidence is limited at this time, the clinical significance of this alteration remains unclear.

NM_001370259.2(MEN1):c.1597A>G (p.Ser533Gly)

Gene: MEN1 (menin 1; minus strand). Cytogenetic location: 11q13.1.
Variant type: single nucleotide variant.
Coding change: c.1597A>G on transcript NM_001370259.2 (MANE Select); coding-DNA position 1597, A replaced by G.
Protein change: p.Ser533Gly; replaces serine 533 with glycine.
Molecular consequence: missense variant. On other transcripts: non-coding transcript variant (4).
Genome position (GRCh38, 1-based): chr11:64,804,570, T>C on the plus strand (A>G on the coding strand, the complement: MEN1 is on the minus strand). VCF-style: chr11-64804570-T-C. GRCh37 (hg19) VCF-style: chr11-64572042-T-C.
Other names: c.1612A>G, p.Ser538Gly (NM_000244.4, NM_001407145.1, NM_130800.3 and 4 more transcripts); c.1723A>G, p.Ser575Gly (NM_001370251.2, NM_001407142.1, NM_001407143.1 and 1 more transcripts); c.1597A>G, p.Ser533Gly (NM_001370260.2, NM_001370261.2, NM_001407146.1 and 2 more transcripts); c.1492A>G, p.Ser498Gly (NM_001370262.2, NM_001370263.2, NM_001407148.1 and 1 more transcripts); c.1738A>G, p.Ser580Gly (NM_001407150.1); c.1618A>G, p.Ser540Gly (NM_001407151.1); c.1432A>G, p.Ser478Gly (NM_001407152.1); short protein forms S533G, S538G, S478G, S498G, S540G, S575G, S580G.
Identifiers: ClinVar variation 2450235 (VCV002450235.3), dbSNP rs2497112027, ClinGen allele CA381178216.
Genomic context (GRCh38, chr11:64,804,570, plus strand): 5'-AAGTGAGCACTGGACCCTCCGGCGGTGGTGATGCTGTGGGTGCTGGCACCTGAGCCGTGC[T>C]GCCACCTTCAGGGCCTCGGGCTGTGCCAGCGACAGTCCCAGGAGGCTTCCGGGGGGGTCC-3'
Protein context (NP_001357188.2, residues 523-543): AGTARGPEGG[Ser533Gly]TAQVPAPTAS